The following is an entry in ClinVar:

ClinVar aggregate classification (germline): Likely benign (0 of 4 stars; one submission).

Conditions:
SNTG1-related disorder. Also called: SNTG1-related condition.

Allele frequency attached by ClinVar (database versions not stated): gnomAD 0.00001; TOPMed 0.00001; gnomAD exomes 0.00002; ExAC 0.00007; 1000 Genomes Project 30x 0.00016; 1000 Genomes Project 0.00020.
gnomAD v4.1: 32 of 1,587,928 alleles (0.002%); highest among the groups gnomAD compares: South Asian, 0.028%; no homozygotes.

Submission:

PreventionGenetics, part of Exact Sciences
Classification: Likely benign for SNTG1-related condition. Last evaluated: 2019-02-26. Review status: no assertion criteria provided. Collection method: clinical testing. Allele origin: germline.
Comment: This variant is classified as likely benign based on ACMG/AMP sequence variant interpretation guidelines (Richards et al. 2015 PMID: 25741868, with internal and published modifications).

NM_018967.5(SNTG1):c.927C>T (p.Ala309=)

Gene: SNTG1 (syntrophin gamma 1; plus strand). Cytogenetic location: 8q11.21.
Variant type: single nucleotide variant.
Coding change: c.927C>T on transcript NM_018967.5 (MANE Select); coding-DNA position 927, C replaced by T.
Protein change: p.Ala309=; no amino-acid change (alanine 309 retained).
Molecular consequence: synonymous variant. On other transcripts: non-coding transcript variant (5).
Genome position (GRCh38, 1-based): chr8:50,656,986, C>T. VCF-style: chr8-50656986-C-T. GRCh37 (hg19) VCF-style: chr8-51569546-C-T.
Other names: c.927C>T, p.Ala309= (NM_001287813.3, NM_001287814.3, NM_001321773.2 and 4 more transcripts).
Identifiers: ClinVar variation 3057793 (VCV003057793.2), dbSNP rs528679957, ClinGen allele CA4744196.
Genomic context (GRCh38, chr8:50,656,986, plus strand): 5'-GTGTGAAGCCCGGGAGCAAGACCCCCTCCAGGACAGAGTGTACTCCCCGACCTTCCTGGC[C>T]CTGAGGGGCTCATGTCTCTACAAGTTTCTGGCACCTCCAGTACGTGTTTTATTGAAATGT-3'
Protein context (NP_061840.1, residues 299-319): QDRVYSPTFL[Ala309=]LRGSCLYKFL